The following is an entry in ClinVar:

NM_014822.4(SEC24D):c.2097C>G (p.Phe699Leu)

Gene: SEC24D (SEC24 homolog D, COPII component; minus strand). Cytogenetic location: 4q26.
Variant type: single nucleotide variant.
Coding change: c.2097C>G on transcript NM_014822.4 (MANE Select); coding-DNA position 2097, C replaced by G.
Protein change: p.Phe699Leu; replaces phenylalanine 699 with leucine.
Molecular consequence: missense variant.
Genome position (GRCh38, 1-based): chr4:118,740,804, G>C on the plus strand (C>G on the coding strand, the complement: SEC24D is on the minus strand). VCF-style: chr4-118740804-G-C. GRCh37 (hg19) VCF-style: chr4-119661959-G-C.
Other names: c.2100C>G, p.Phe700Leu (NM_001318066.2); short protein forms F699L, F700L.
Identifiers: ClinVar variation 1355581 (VCV001355581.6), dbSNP rs1560618500, ClinGen allele CA358008449.

ClinVar aggregate classification (germline): Uncertain significance (1 of 4 stars; one submission).

Submission:

Labcorp Genetics (formerly Invitae), Labcorp
Classification: Uncertain significance. Last evaluated: 2021-05-20. Review status: criteria provided, single submitter. Criteria: Invitae Variant Classification Sherloc (09022015). Collection method: clinical testing. Allele origin: germline.
Comment: In summary, the available evidence is currently insufficient to determine the role of this variant in disease. Therefore, it has been classified as a Variant of Uncertain Significance. Algorithms developed to predict the effect of missense changes on protein structure and function are either unavailable or do not agree on the potential impact of this missense change (SIFT: "Not Available"; PolyPhen-2: "Probably Damaging"; Align-GVGD: "Not Available"). This variant has not been reported in the literature in individuals with SEC24D-related conditions. This variant is not present in population databases (ExAC no frequency). This sequence change replaces phenylalanine with leucine at codon 699 of the SEC24D protein (p.Phe699Leu). The phenylalanine residue is moderately conserved and there is a small physicochemical difference between phenylalanine and leucine.